The following is an entry in ClinVar:

NM_000222.3(KIT):c.1446A>G (p.Ala482=)

Gene: KIT (KIT proto-oncogene, receptor tyrosine kinase; plus strand). Cytogenetic location: 4q12.
Variant type: single nucleotide variant.
Coding change: c.1446A>G on transcript NM_000222.3 (MANE Select); coding-DNA position 1446, A replaced by G.
Protein change: p.Ala482=; no amino-acid change (alanine 482 retained).
Molecular consequence: synonymous variant.
Genome position (GRCh38, 1-based): chr4:54,725,956, A>G. VCF-style: chr4-54725956-A-G. GRCh37 (hg19) VCF-style: chr4-55592122-A-G.
Other names: c.1446A>G, p.Ala482= (NM_001093772.2, NM_001385285.1, NM_001385286.1); c.1449A>G, p.Ala483= (NM_001385284.1, NM_001385288.1, NM_001385290.1 and 1 more transcripts); c.1446A>G (NM_000222.2).
Identifiers: ClinVar variation 1138622 (VCV001138622.12), dbSNP rs755386780, ClinGen allele CA2923489.

ClinVar aggregate classification (germline): Likely benign. Review status: criteria provided, multiple submitters, no conflicts (2 of 4 stars). 4 submissions from 4 submitters: Likely benign (4). Last evaluated 2026-08-01.

Conditions:
Hereditary cancer-predisposing syndrome. Also called: Neoplastic Syndromes, Hereditary; Hereditary neoplastic syndrome; Tumor predisposition; Hereditary Cancer Syndrome. Identifiers: Orphanet 140162, MedGen C0027672, MeSH D009386, MONDO:0015356.
Gastrointestinal stromal tumor. Also called: Gastrointestinal stromal tumor, somatic; Gastrointestinal stroma tumor. Identifiers: Orphanet 44890, MedGen C0238198, MeSH D046152, MONDO:0011719, OMIM 606764, HP:0100723.

Allele frequency attached by ClinVar (database versions not stated): ExAC 0.00001; gnomAD exomes below 0.00001; TOPMed below 0.00001.
gnomAD v4.1: 1 of 1,614,186 alleles (0.000062%); highest among the groups gnomAD compares: Non-Finnish European, 0.000085%; no homozygotes.

Submissions (4):

CeGaT Center for Human Genetics Tuebingen
Classification: Likely benign. Last evaluated: 2026-08-01. Review status: criteria provided, single submitter. Criteria: CeGaT Center For Human Genetics Tuebingen Variant Classification Criteria Version 2. Collection method: clinical testing. Allele origin: germline. Affected: yes. Observed: 1 variant allele.
Comment: KIT: PM2:Supporting, BP4, BP7

Labcorp Genetics (formerly Invitae), Labcorp
Classification: Likely benign for Gastrointestinal stromal tumor. Last evaluated: 2024-04-02. Review status: criteria provided, single submitter. Criteria: Invitae Variant Classification Sherloc (09022015). Collection method: clinical testing. Allele origin: germline.

Blueprint Genetics
Classification: Likely benign. Last evaluated: 2024-03-19. Review status: criteria provided, single submitter. Criteria: ACMG Guidelines, 2015. Collection method: clinical testing. Allele origin: germline.

Ambry Genetics
Classification: Likely benign for Hereditary cancer-predisposing syndrome. Last evaluated: 2022-10-17. Review status: criteria provided, single submitter. Criteria: Ambry Variant Classification Scheme 2023. Collection method: clinical testing. Allele origin: germline.